The following is an entry in ClinVar:

ClinVar aggregate classification (germline): Benign/Likely benign. Review status: criteria provided, multiple submitters, no conflicts (2 of 4 stars). 3 submissions from 3 submitters: Benign (1); Likely benign (2). Last evaluated 2025-12-23.

Allele frequency attached by ClinVar (database versions not stated): 1000 Genomes Project 30x 0.00062; 1000 Genomes Project 0.00080; gnomAD 0.00106 and 0.00112; gnomAD exomes 0.00119 and 0.00047; ExAC 0.00141; TOPMed 0.00014; ESP Exome Variant Server 0.00023.
gnomAD v4.1: 834 of 1,601,604 alleles (0.052%); highest among the groups gnomAD compares: Admixed American, 0.014%; 5 homozygotes.

Submissions (3):

Labcorp Genetics (formerly Invitae), Labcorp
Classification: Benign. Last evaluated: 2025-12-23. Review status: criteria provided, single submitter. Criteria: Invitae Variant Classification Sherloc (09022015). Collection method: clinical testing. Allele origin: germline.

Blueprint Genetics
Classification: Likely benign. Last evaluated: 2024-10-16. Review status: criteria provided, single submitter. Criteria: ACMG Guidelines, 2015. Collection method: clinical testing. Allele origin: germline.

CeGaT Center for Human Genetics Tuebingen
Classification: Likely benign. Last evaluated: 2022-10-01. Review status: criteria provided, single submitter. Criteria: CeGaT Center For Human Genetics Tuebingen Variant Classification Criteria Version 2. Collection method: clinical testing. Allele origin: germline. Affected: yes. Observed: 1 variant allele.
Comment: FGFR3: BP4

NM_000142.5(FGFR3):c.2169-5C>T

Gene: FGFR3 (fibroblast growth factor receptor 3; plus strand). Cytogenetic location: 4p16.3.
Variant type: single nucleotide variant.
Coding change: c.2169-5C>T on transcript NM_000142.5 (MANE Select); 5 bases into the intron before coding-DNA position 2169, C replaced by T.
Molecular consequence: intron variant.
Genome position (GRCh38, 1-based): chr4:1,806,824, C>T. VCF-style: chr4-1806824-C-T. GRCh37 (hg19) VCF-style: chr4-1808551-C-T.
Other names: c.2175-5C>T (NM_001163213.2); c.2172-5C>T (NM_001354809.2); c.2101-5C>T (NM_001354810.2); c.1833-5C>T (NM_022965.4).
Identifiers: ClinVar variation 976546 (VCV000976546.32), dbSNP rs17884617, ClinGen allele CA2810767.